The following is an entry in ClinVar:

NM_001128840.3(CACNA1D):c.3850G>A (p.Val1284Met)

Gene: CACNA1D (calcium voltage-gated channel subunit alpha1 D; plus strand). Cytogenetic location: 3p21.1.
Variant type: single nucleotide variant.
Coding change: c.3850G>A on transcript NM_001128840.3 (MANE Select); coding-DNA position 3850, G replaced by A.
Protein change: p.Val1284Met; replaces valine 1284 with methionine.
Molecular consequence: missense variant.
Genome position (GRCh38, 1-based): chr3:53,762,061, G>A. VCF-style: chr3-53762061-G-A. GRCh37 (hg19) VCF-style: chr3-53796088-G-A.
Other names: c.3910G>A, p.Val1304Met (NM_000720.4); c.3850G>A, p.Val1284Met (NM_001128839.3); short protein forms V1284M, V1304M.
Identifiers: ClinVar variation 4782163 (VCV004782163.1).

ClinVar aggregate classification (germline): Uncertain significance (1 of 4 stars; one submission).

gnomAD v4.1: 8 of 1,613,022 alleles (0.0005%); highest among the groups gnomAD compares: Admixed American, 0.0017%; no homozygotes.

Submission:

Labcorp Genetics (formerly Invitae), Labcorp
Classification: Uncertain significance. Last evaluated: 2025-04-24. Review status: criteria provided, single submitter. Criteria: Invitae Variant Classification Sherloc (09022015). Collection method: clinical testing. Allele origin: germline.
Comment: This sequence change replaces valine, which is neutral and non-polar, with methionine, which is neutral and non-polar, at codon 1304 of the CACNA1D protein (p.Val1304Met). This variant is present in population databases (rs778716081, gnomAD 0.003%). This variant has not been reported in the literature in individuals affected with CACNA1D-related conditions. Invitae Evidence Modeling of protein sequence and biophysical properties (such as structural, functional, and spatial information, amino acid conservation, physicochemical variation, residue mobility, and thermodynamic stability) indicates that this missense variant is not expected to disrupt CACNA1D protein function with a negative predictive value of 80%. In summary, the available evidence is currently insufficient to determine the role of this variant in disease. Therefore, it has been classified as a Variant of Uncertain Significance.